The following is an entry in ClinVar:

NM_001130987.2(DYSF):c.5269dup (p.Thr1757fs)

Gene: DYSF (dysferlin; plus strand). Cytogenetic location: 2p13.2.
Variant type: Duplication.
Coding change: c.5269dup on transcript NM_001130987.2 (MANE Select); coding-DNA position 5269, one base duplicated (A; older notation c.5269dupA).
Protein change: p.Thr1757fs; shifts the reading frame from threonine 1757.
Molecular consequence: frameshift variant.
Genome position (GRCh38, 1-based): chr2:71,665,256, A duplicated. VCF-style (leftmost placement, unchanged base first): chr2-71665255-G-GA. GRCh37 (hg19) VCF-style: chr2-71892385-G-GA.
Other names: c.5155dup, p.Thr1719fs (NM_001130455.2); c.5110dup, p.Thr1704fs (NM_001130976.2); c.5173dup, p.Thr1725fs (NM_001130977.2); c.5215dup, p.Thr1739fs (NM_001130978.2); c.5245dup, p.Thr1749fs (NM_001130979.2); c.5203dup, p.Thr1735fs (NM_001130980.2); c.5266dup, p.Thr1756fs (NM_001130981.2); c.5248dup, p.Thr1750fs (NM_001130982.2); and 5 more; short protein forms T1704fs, T1705fs, T1718fs, T1719fs, T1725fs, T1726fs, T1735fs, T1736fs.
Identifiers: ClinVar variation 5015213 (VCV005015213.1).

ClinVar aggregate classification (germline): Pathogenic (1 of 4 stars; one submission).

Conditions:
Autosomal recessive limb-girdle muscular dystrophy. Identifiers: Orphanet 102015, MedGen C2931907, MONDO:0015152.

Submission:

Myriad Genetics, Inc.
Classification: Pathogenic for Autosomal recessive limb-girdle muscular dystrophy. Last evaluated: 2025-11-13. Review status: criteria provided, single submitter. Criteria: Myriad Autosomal Dominant, Autosomal Recessive and X-Linked Classification Criteria (2023). Collection method: clinical testing. Allele origin: unknown.
Comment: NM_003494.3(DYSF):c.5152dupA(T1718Nfs*9) is expected to be pathogenic in the context of dysferlinopathy. This variant is predicted to lead to an abnormal or absent protein product due to the creation of a premature termination codon in DYSF, a gene where loss-of-function variants are known to be pathogenic. Please note: this variant was assessed in the context of healthy population screening.